The following is an entry in ClinVar:

NM_001083614.2(EARS2):c.636C>T (p.Ser212=)

Gene: EARS2 (glutamyl-tRNA synthetase 2, mitochondrial; minus strand). Cytogenetic location: 16p12.2.
Variant type: single nucleotide variant.
Coding change: c.636C>T on transcript NM_001083614.2 (MANE Select); coding-DNA position 636, C replaced by T.
Protein change: p.Ser212=; no amino-acid change (serine 212 retained).
Molecular consequence: synonymous variant. On other transcripts: non-coding transcript variant (1).
Genome position (GRCh38, 1-based): chr16:23,535,210, G>A on the plus strand (C>T on the coding strand, the complement: EARS2 is on the minus strand). VCF-style: chr16-23535210-G-A. GRCh37 (hg19) VCF-style: chr16-23546531-G-A.
Other names: c.636C>T, p.Ser212= (NM_001308211.1).
Identifiers: ClinVar variation 5038695 (VCV005038695.1).

ClinVar aggregate classification (germline): Likely benign (1 of 4 stars; one submission).

gnomAD v4.1: 9 of 1,613,600 alleles (0.00056%); highest among the groups gnomAD compares: Admixed American, 0.0017%; no homozygotes.

Submission:

CeGaT Center for Human Genetics Tuebingen
Classification: Likely benign. Last evaluated: 2026-07-01. Review status: criteria provided, single submitter. Criteria: CeGaT Center For Human Genetics Tuebingen Variant Classification Criteria Version 2. Collection method: clinical testing. Allele origin: germline. Affected: yes. Observed: 1 variant allele.
Comment: EARS2: BP4, BP7